The following is an entry in ClinVar:

ClinVar aggregate classification (germline): Uncertain significance (1 of 4 stars; one submission).

gnomAD v4.1: 6 of 1,613,680 alleles (0.00037%); highest among the groups gnomAD compares: Non-Finnish European, 0.00051%; no homozygotes.

Submission:

Labcorp Genetics (formerly Invitae), Labcorp
Classification: Uncertain significance. Last evaluated: 2025-08-29. Review status: criteria provided, single submitter. Criteria: Invitae Variant Classification Sherloc (09022015). Collection method: clinical testing. Allele origin: germline.
Comment: This sequence change replaces threonine, which is neutral and polar, with alanine, which is neutral and non-polar, at codon 960 of the BUB1 protein (p.Thr960Ala). This variant is not present in population databases (gnomAD no frequency). This variant has not been reported in the literature in individuals affected with BUB1-related conditions. Experimental studies and prediction algorithms are not available or were not evaluated, and the functional significance of this variant is currently unknown. In summary, the available evidence is currently insufficient to determine the role of this variant in disease. Therefore, it has been classified as a Variant of Uncertain Significance.

NM_004336.5(BUB1):c.2878A>G (p.Thr960Ala)

Gene: BUB1 (BUB1 mitotic checkpoint serine/threonine kinase; minus strand). Cytogenetic location: 2q13.
Variant type: single nucleotide variant.
Coding change: c.2878A>G on transcript NM_004336.5 (MANE Select); coding-DNA position 2878, A replaced by G.
Protein change: p.Thr960Ala; replaces threonine 960 with alanine.
Molecular consequence: missense variant.
Genome position (GRCh38, 1-based): chr2:110,641,111, T>C on the plus strand (A>G on the coding strand, the complement: BUB1 is on the minus strand). VCF-style: chr2-110641111-T-C. GRCh37 (hg19) VCF-style: chr2-111398688-T-C.
Other names: c.2818A>G, p.Thr940Ala (NM_001278616.2); c.2707A>G, p.Thr903Ala (NM_001278617.2); short protein forms T903A, T940A, T960A.
Identifiers: ClinVar variation 4796848 (VCV004796848.1).